The following is an entry in ClinVar:

NM_001042492.3(NF1):c.7134del (p.Gly2379fs)

Gene: NF1 (neurofibromin 1; plus strand). Cytogenetic location: 17q11.2.
Variant type: Deletion.
Coding change: c.7134del on transcript NM_001042492.3 (MANE Select); coding-DNA position 7134, one base deleted (T; older notation c.7134delT).
Protein change: p.Gly2379fs; shifts the reading frame from glycine 2379.
Molecular consequence: frameshift variant.
Genome position (GRCh38, 1-based): chr17:31,343,080, T deleted; the last of 2 consecutive T bases (chr17:31,343,079-31,343,080); deleting either gives the same sequence. VCF-style (leftmost placement, unchanged base first): chr17-31343078-GT-G. GRCh37 (hg19) VCF-style: chr17-29670096-GT-G.
Other names: c.7071delT, p.Gly2358Aspfs (NM_000267.4); short protein forms G2379fs, G2358fs.
Identifiers: ClinVar variation 4056172 (VCV004056172.2).
Genomic context (GRCh38, chr17:31,343,078, plus strand): 5'-GAAGTATTTATGGCAATCCGGAATCCTCTGGAGTGGCACTGCAAGCAAATGGATCATTTT[GT>G]TGGACTCAATTTCAACTCTAACTTTAACTTTGCATTGGTTGGACACCTTTTAAAAGGTAA-3'

ClinVar aggregate classification (germline): Pathogenic. Review status: criteria provided, multiple submitters, no conflicts (2 of 4 stars). 2 submissions from 2 submitters: Pathogenic (2). Last evaluated 2025-04-06.

Conditions:
Neurofibromatosis, type 1 (NF1). Also called: NEUROFIBROMATOSIS, TYPE I, SOMATIC; Neurofibromatosis, type I; VON RECKLINGHAUSEN DISEASE; Peripheral type neurofibromatosis. Identifiers: Orphanet 636, MedGen C0027831, MONDO:0018975, OMIM 162200. Disease mechanism: loss of function.

Submissions (2):

Labcorp Genetics (formerly Invitae), Labcorp
Classification: Pathogenic for Neurofibromatosis, type 1. Last evaluated: 2025-04-06. Review status: criteria provided, single submitter. Criteria: Invitae Variant Classification Sherloc (09022015). Collection method: clinical testing. Allele origin: germline.
Comment: This sequence change creates a premature translational stop signal (p.Gly2358Aspfs*17) in the NF1 gene. It is expected to result in an absent or disrupted protein product. Loss-of-function variants in NF1 are known to be pathogenic (PMID: 10712197, 23913538). This variant is not present in population databases (gnomAD no frequency). This variant has not been reported in the literature in individuals affected with NF1-related conditions. For these reasons, this variant has been classified as Pathogenic.

Molecular Pathology, Peter Maccallum Cancer Centre
Classification: Pathogenic for Neurofibromatosis, type 1. Last evaluated: 2024-09-18. Review status: criteria provided, single submitter. Criteria: ACMG Guidelines, 2015. Collection method: clinical testing. Allele origin: germline. Inheritance: Autosomal dominant inheritance.

Literature cited by the submitters: PubMed 10712197 (cited by Labcorp Genetics (formerly Invitae), Labcorp); PubMed 23913538 (cited by Labcorp Genetics (formerly Invitae), Labcorp).